The following is an entry in ClinVar:

NM_014989.7(RIMS1):c.943G>A (p.Glu315Lys)

Gene: RIMS1 (regulating synaptic membrane exocytosis 1; plus strand). Cytogenetic location: 6q13.
Variant type: single nucleotide variant.
Coding change: c.943G>A on transcript NM_014989.7 (MANE Select); coding-DNA position 943, G replaced by A.
Protein change: p.Glu315Lys; replaces glutamic acid 315 with lysine.
Molecular consequence: missense variant.
Genome position (GRCh38, 1-based): chr6:72,182,414, G>A. VCF-style: chr6-72182414-G-A. GRCh37 (hg19) VCF-style: chr6-72892117-G-A.
Other names: short protein forms E315K.
Identifiers: ClinVar variation 1943984 (VCV001943984.5), dbSNP rs867466544, ClinGen allele CA141417499.

ClinVar aggregate classification (germline): Uncertain significance (1 of 4 stars; one submission).

Submission:

Labcorp Genetics (formerly Invitae), Labcorp
Classification: Uncertain significance. Last evaluated: 2022-02-11. Review status: criteria provided, single submitter. Criteria: Invitae Variant Classification Sherloc (09022015). Collection method: clinical testing. Allele origin: germline.
Comment: This sequence change replaces glutamic acid, which is acidic and polar, with lysine, which is basic and polar, at codon 315 of the RIMS1 protein (p.Glu315Lys). This variant is not present in population databases (gnomAD no frequency). This variant has not been reported in the literature in individuals affected with RIMS1-related conditions. Algorithms developed to predict the effect of missense changes on protein structure and function are either unavailable or do not agree on the potential impact of this missense change (SIFT: "Deleterious"; PolyPhen-2: "Benign"; Align-GVGD: "Class C55"). In summary, the available evidence is currently insufficient to determine the role of this variant in disease. Therefore, it has been classified as a Variant of Uncertain Significance.